The following is an entry in ClinVar:

NM_014363.6(SACS):c.11539ATT[1] (p.Ile3848del)

Gene: SACS (sacsin molecular chaperone; minus strand). Cytogenetic location: 13q12.12.
Variant type: Microsatellite.
Coding change: c.11539ATT[1] on transcript NM_014363.6 (MANE Select); one copy of the 3-base unit ATT starting at c.11539; the reference has two copies in a row; one copy, 3 bases deleted; also written c.11542_11544del.
Protein change: p.Ile3848del; deletes isoleucine 3848.
Molecular consequence: inframe deletion.
Genome position (GRCh38, 1-based): chr13:23,332,332-23,332,334, AAT deleted on the plus strand (ATT on the coding strand, the reverse complement: SACS is on the minus strand); deleting any 3 consecutive bases within chr13:23,332,332-23,332,338 gives the same sequence; the position shown is the placement nearest the transcript's 3' end. VCF-style (leftmost placement, unchanged base first): chr13-23332331-AAAT-A. GRCh37 (hg19) VCF-style: chr13-23906470-AAAT-A.
Other names: c.11542_11544del (NM_014363.6, NM_014363.5); c.11542_11544delATT (NM_014363.5); c.11098ATT[1], p.Ile3701del (NM_001278055.2); short protein forms I3701del, I3848del.
Identifiers: ClinVar variation 1343972 (VCV001343972.36), dbSNP rs2137565671, ClinGen allele CA2580614620.

ClinVar aggregate classification (germline): Conflicting classifications of pathogenicity. Review status: criteria provided, conflicting classifications (1 of 4 stars). 5 submissions from 5 submitters: Likely pathogenic (3); Uncertain significance (2). Last evaluated 2024-10-28.

Conditions:
Charlevoix-Saguenay spastic ataxia (SACS). Also called: Spastic ataxia of Charlevoix-Saguenay; SPASTIC ATAXIA 6, AUTOSOMAL RECESSIVE; AUTOSOMAL RECESSIVE SPASTIC ATAXIA OF CHARLEVOIX-SAGUENAY. Identifiers: Orphanet 98, MedGen C1849140, MONDO:0010041, OMIM 270550.
Hereditary spastic paraplegia. Also called: Familial spastic paraparesis. Identifiers: Orphanet 685, MedGen C0037773, MONDO:0019064. Disease mechanism: loss of function.

Submissions (5):

Natera, Inc.
Classification: Likely pathogenic for Charlevoix-Saguenay type spastic ataxia. Last evaluated: 2024-10-28. Review status: criteria provided, single submitter. Criteria: Natera Variant Classification Schema (03/2026). Collection method: clinical testing. Allele origin: germline.
Comment: The c.11542_11544del variant in SACS is an in-frame deletion predicted to remove isoleucine at amino acid 3848 while preserving the reading frame. This variant is rare in the general population with a frequency below the threshold expected for the associated phenotype(s). This variant has been observed in one or more individuals affected with the associated recessive disease, as either homozygous or compound heterozygous with a second variant (PMID: 23497566, 35130357). This variant has been observed to segregate in affected family members (PMID: 23497566). This variant results in a change to the protein length while preserving reading frame, which may disrupt normal protein structure or function. Given the available evidence, this variant is classified as Likely Pathogenic.

Clinical Genetics Laboratory, Skane University Hospital Lund
Classification: Likely pathogenic. Last evaluated: 2023-02-15. Review status: criteria provided, single submitter. Criteria: ACMG Guidelines, 2015. Collection method: clinical testing. Allele origin: germline. Affected: yes.

CeGaT Center for Human Genetics Tuebingen
Classification: Likely pathogenic. Last evaluated: 2022-06-01. Review status: criteria provided, single submitter. Criteria: CeGaT Center For Human Genetics Tuebingen Variant Classification Criteria Version 2. Collection method: clinical testing. Allele origin: germline. Affected: yes. Observed: 1 variant allele.
Comment: SACS: PM2, PS4:Moderate, PM3:Supporting, PM4:Supporting, PP4

PROSPAX: an integrated multimodal progression  chart in spastic ataxias, Center for Neurology; Hertie-Institute for Clinical Brain Research
Classification: Uncertain significance for Charlevoix-Saguenay spastic ataxia. Last evaluated: 2022-01-01. Review status: criteria provided, single submitter. Criteria: ACMG Guidelines, 2015. Collection method: research. Allele origin: germline. Affected: yes. Observed: 2 variant alleles, 2 homozygotes.

Genome Diagnostics Laboratory, The Hospital for Sick Children
Classification: Uncertain significance for Hereditary spastic paraplegia. Last evaluated: 2016-12-28. Review status: criteria provided, single submitter. Criteria: ACMG Guidelines, 2015. Collection method: clinical testing. Allele origin: germline. Affected: yes.

Literature cited by the submitters: PubMed 23497566 (cited by Natera, Inc.); PubMed 35130357 (cited by Natera, Inc.).